The following is an entry in ClinVar:

NM_018136.5(ASPM):c.9789T>G (p.Tyr3263Ter)

Gene: ASPM (assembly factor for spindle microtubules; minus strand). Cytogenetic location: 1q31.3.
Variant type: single nucleotide variant.
Coding change: c.9789T>G on transcript NM_018136.5 (MANE Select); coding-DNA position 9789, T replaced by G.
Protein change: p.Tyr3263Ter; replaces tyrosine 3263 with a stop codon.
Molecular consequence: nonsense.
Genome position (GRCh38, 1-based): chr1:197,090,236, A>C on the plus strand (T>G on the coding strand, the complement: ASPM is on the minus strand). VCF-style: chr1-197090236-A-C. GRCh37 (hg19) VCF-style: chr1-197059366-A-C.
Other names: c.5034T>G, p.Tyr1678Ter (NM_001206846.2); short protein forms Y1678*, Y3263*.
Identifiers: ClinVar variation 1073107 (VCV001073107.9), dbSNP rs199422198, ClinGen allele CA344001695.
Genomic context (GRCh38, chr1:197,090,236, plus strand): 5'-ACATGTTAACACAAACTAACCTAGGTGTTTTAAGGCCTCAAGAATGGCAGAAAGGTGCTT[A>C]TATGTCAAAAGGTAATGAAGTGCAAGTGCAGTTCTTTTGTAGAGTTTGTTTTCTTCTCGA-3'

ClinVar aggregate classification (germline): Pathogenic (1 of 4 stars; one submission).

Submission:

Labcorp Genetics (formerly Invitae), Labcorp
Classification: Pathogenic. Last evaluated: 2018-01-19. Review status: criteria provided, single submitter. Criteria: Invitae Variant Classification Sherloc (09022015). Collection method: clinical testing. Allele origin: germline.
Comment: For these reasons, this variant has been classified as Pathogenic. Loss-of-function variants in ASPM are known to be pathogenic (PMID: 19028728, 23611254). This variant has not been reported in the literature in individuals with ASPM-related disease. However, a different variant resulting in the same protein effect (c.9789T>A, p.Tyr3263*) has been reported in a family affected with microcephaly (PMID: 19028728). This variant is not present in population databases (ExAC no frequency). This sequence change creates a premature translational stop signal (p.Tyr3263*) in the ASPM gene. It is expected to result in an absent or disrupted protein product.

Literature cited by the submitters: PubMed 19028728; PubMed 23611254.